The following is an entry in ClinVar:

NM_000834.5(GRIN2B):c.3322G>A (p.Ala1108Thr)

Gene: GRIN2B (glutamate ionotropic receptor NMDA type subunit 2B; minus strand). Cytogenetic location: 12p13.1.
Variant type: single nucleotide variant.
Coding change: c.3322G>A on transcript NM_000834.5 (MANE Select); coding-DNA position 3322, G replaced by A.
Protein change: p.Ala1108Thr; replaces alanine 1108 with threonine.
Molecular consequence: missense variant.
Genome position (GRCh38, 1-based): chr12:13,563,916, C>T on the plus strand (G>A on the coding strand, the complement: GRIN2B is on the minus strand). VCF-style: chr12-13563916-C-T. GRCh37 (hg19) VCF-style: chr12-13716850-C-T.
Other names: short protein forms A1108T.
Identifiers: ClinVar variation 1722358 (VCV001722358.6), dbSNP rs2497469188, ClinGen allele CA383989986.

ClinVar aggregate classification (germline): Uncertain significance. Review status: criteria provided, multiple submitters, no conflicts (2 of 4 stars). 2 submissions from 2 submitters: Uncertain significance (2). Last evaluated 2022-09-20.

Conditions:
Intellectual developmental disorder, autosomal dominant 6, with or without seizures. Also called: GRIN2B-related developmental delay, intellectual disability and autism spectrum disorder; Intellectual disability, autosomal dominant 6. Identifiers: Orphanet 589547, MedGen C3151411, MONDO:0013509, OMIM 613970.
Developmental and epileptic encephalopathy, 27 (DEE27). Also called: GRIN2B-Related Neurodevelopmental Disorder; Epileptic encephalopathy, early infantile, 27. Identifiers: Orphanet 3451, MedGen C4015316, MONDO:0014505, OMIM 616139.

Submissions (2):

Women's Health and Genetics/Laboratory Corporation of America, LabCorp
Classification: Uncertain significance. Last evaluated: 2022-09-20. Review status: criteria provided, single submitter. Criteria: LabCorp Variant Classification Summary - May 2015. Collection method: clinical testing. Allele origin: germline.
Comment: Variant summary: GRIN2B c.3322G>A (p.Ala1108Thr) results in a non-conservative amino acid change located in the Glutamate [NMDA] receptor, epsilon subunit, C-terminal domain (IPR018884) of the encoded protein sequence. Three of five in-silico tools predict a benign effect of the variant on protein function. The variant was absent in 251304 control chromosomes (gnomAD). The available data on variant occurrences in the general population are insufficient to allow any conclusion about variant significance. To our knowledge, no occurrence of c.3322G>A in individuals affected with Mental Retardation, Autosomal Dominant 6 and no experimental evidence demonstrating its impact on protein function have been reported. No clinical diagnostic laboratories have submitted clinical-significance assessments for this variant to ClinVar after 2014. Based on the evidence outlined above, the variant was classified as uncertain significance.

Labcorp Genetics (formerly Invitae), Labcorp
Classification: Uncertain significance for Developmental and epileptic encephalopathy, 27; Intellectual developmental disorder, autosomal dominant 6, with or without seizures. Last evaluated: 2022-04-16. Review status: criteria provided, single submitter. Criteria: Invitae Variant Classification Sherloc (09022015). Collection method: clinical testing. Allele origin: germline.
Comment: This sequence change replaces alanine, which is neutral and non-polar, with threonine, which is neutral and polar, at codon 1108 of the GRIN2B protein (p.Ala1108Thr). This variant is not present in population databases (gnomAD no frequency). In summary, the available evidence is currently insufficient to determine the role of this variant in disease. Therefore, it has been classified as a Variant of Uncertain Significance. Advanced modeling of protein sequence and biophysical properties (such as structural, functional, and spatial information, amino acid conservation, physicochemical variation, residue mobility, and thermodynamic stability) performed at Invitae indicates that this missense variant is not expected to disrupt GRIN2B protein function. This variant has not been reported in the literature in individuals affected with GRIN2B-related conditions.